The following is an entry in ClinVar:

NM_032380.5(GFM2):c.930+4A>G

Gene: GFM2 (GTP dependent ribosome recycling factor mitochondrial 2; minus strand). Cytogenetic location: 5q13.3.
Variant type: single nucleotide variant.
Coding change: c.930+4A>G on transcript NM_032380.5 (MANE Select); 4 bases into the intron after coding-DNA position 930, A replaced by G.
Molecular consequence: intron variant.
Genome position (GRCh38, 1-based): chr5:74,741,525, T>C on the plus strand (A>G on the coding strand, the complement: GFM2 is on the minus strand). VCF-style: chr5-74741525-T-C. GRCh37 (hg19) VCF-style: chr5-74037350-T-C.
Other names: c.930+4A>G (NM_170691.3, NM_170681.3); c.1026+4A>G (NM_001281302.2).
Identifiers: ClinVar variation 509311 (VCV000509311.9), dbSNP rs184732617, ClinGen allele CA3306660.

ClinVar aggregate classification (germline): Conflicting classifications of pathogenicity. Review status: criteria provided, conflicting classifications (1 of 4 stars). 3 submissions from 3 submitters: Uncertain significance (1); Likely benign (2). Last evaluated 2025-05-30.

Allele frequency attached by ClinVar (database versions not stated): gnomAD 0.00016 and 0.00015; 1000 Genomes Project 0.00020; gnomAD exomes 0.00022 and 0.00028; TOPMed 0.00022; ExAC 0.00024; ESP Exome Variant Server 0.00054; 1000 Genomes Project 30x 0.00016.
gnomAD v4.1: 372 of 1,425,500 alleles (0.026%); highest among the groups gnomAD compares: Admixed American, 0.036%; 1 homozygote.

Submissions (3):

Labcorp Genetics (formerly Invitae), Labcorp
Classification: Uncertain significance. Last evaluated: 2025-05-30. Review status: criteria provided, single submitter. Criteria: Invitae Variant Classification Sherloc (09022015). Collection method: clinical testing. Allele origin: germline.
Comment: This sequence change falls in intron 11 of the GFM2 gene. It does not directly change the encoded amino acid sequence of the GFM2 protein. It affects a nucleotide within the consensus splice site. This variant is present in population databases (rs184732617, gnomAD 0.04%). This variant has not been reported in the literature in individuals affected with GFM2-related conditions. ClinVar contains an entry for this variant (Variation ID: 509311). Variants that disrupt the consensus splice site are a relatively common cause of aberrant splicing (PMID: 17576681, 9536098). Algorithms developed to predict the effect of sequence changes on RNA splicing suggest that this variant is not likely to affect RNA splicing. In summary, the available evidence is currently insufficient to determine the role of this variant in disease. Therefore, it has been classified as a Variant of Uncertain Significance.

Blueprint Genetics
Classification: Likely benign. Last evaluated: 2024-03-27. Review status: criteria provided, single submitter. Criteria: ACMG Guidelines, 2015. Collection method: clinical testing. Allele origin: germline.

GeneDx
Classification: Likely benign. Last evaluated: 2020-10-29. Review status: criteria provided, single submitter. Criteria: GeneDx Variant Classification Process June 2021. Collection method: clinical testing. Allele origin: germline. Affected: yes.

Literature cited by the submitters: PubMed 17576681 (cited by Labcorp Genetics (formerly Invitae), Labcorp); PubMed 9536098 (cited by Labcorp Genetics (formerly Invitae), Labcorp).